The following is an entry in ClinVar:

ClinVar aggregate classification (germline): Uncertain significance (1 of 4 stars; one submission).

Conditions:
Inborn genetic diseases. Identifiers: MedGen C0950123, MeSH D030342.

gnomAD v4.1: 4 of 1,614,164 alleles (0.00025%); highest among the groups gnomAD compares: East Asian, 0.0022%; no homozygotes.

Submission:

Ambry Genetics
Classification: Uncertain significance for Inborn genetic diseases. Last evaluated: 2025-09-24. Review status: criteria provided, single submitter. Criteria: Ambry Variant Classification Scheme 2023. Collection method: clinical testing. Allele origin: germline.
Comment: The c.3494A>G (p.Q1165R) alteration is located in exon 31 (coding exon 31) of the PI4KA gene. This alteration results from a A to G substitution at nucleotide position 3494, causing the glutamine (Q) at amino acid position 1165 to be replaced by an arginine (R). Based on data from gnomAD, the G allele has an overall frequency of 0.001% (2/251334) total alleles studied. The highest observed frequency was 0.005% (1/18392) of East Asian alleles. Based on insufficient or conflicting evidence, the clinical significance of this alteration remains unclear.

NM_058004.4(PI4KA):c.3494A>G (p.Gln1165Arg)

Gene: PI4KA (phosphatidylinositol 4-kinase alpha; minus strand). Cytogenetic location: 22q11.21.
Variant type: single nucleotide variant.
Coding change: c.3494A>G on transcript NM_058004.4 (MANE Select); coding-DNA position 3494, A replaced by G.
Protein change: p.Gln1165Arg; replaces glutamine 1165 with arginine.
Molecular consequence: missense variant.
Genome position (GRCh38, 1-based): chr22:20,742,727, T>C on the plus strand (A>G on the coding strand, the complement: PI4KA is on the minus strand). VCF-style: chr22-20742727-T-C. GRCh37 (hg19) VCF-style: chr22-21097015-T-C.
Other names: c.3401A>G, p.Gln1134Arg (NM_001362862.2); c.3428A>G, p.Gln1143Arg (NM_001362863.2); short protein forms Q1165R, Q1143R, Q1134R.
Identifiers: ClinVar variation 4627435 (VCV004627435.1).
Genomic context (GRCh38, chr22:20,742,727, plus strand): 5'-TGACTGCGGTCTAAAGCTGAATGTAGATCCTGGACCATCATTTTGTTCAGGTCAGACATC[T>C]GGCCTGTGGTGCCTGAGAACCGAATCATTCCATACACCTGCAAAAACATTCTCATCAGCA-3'
Protein context (NP_477352.3, residues 1155-1175): GMIRFSGTTG[Gln1165Arg]MSDLNKMMVQ